The following is an entry in ClinVar:

ClinVar aggregate classification (germline): Conflicting classifications of pathogenicity. Review status: criteria provided, conflicting classifications (1 of 4 stars). 2 submissions from 2 submitters: Uncertain significance (1); Likely benign (1). Last evaluated 2026-08-07.

Conditions:
Hereditary cancer-predisposing syndrome. Also called: Neoplastic Syndromes, Hereditary; Hereditary neoplastic syndrome; Hereditary Cancer Syndrome; Tumor predisposition. Identifiers: Orphanet 140162, MedGen C0027672, MeSH D009386, MONDO:0015356.
Gorlin syndrome. Also called: Nevoid Basal Cell Carcinoma Syndrome; Basal cell nevus syndrome. Identifiers: Orphanet 377, MedGen C0004779, MONDO:0007187.

Allele frequency attached by ClinVar (database versions not stated): gnomAD exomes below 0.00001.
gnomAD v4.1: 4 of 1,547,764 alleles (0.00026%); highest among the groups gnomAD compares: Non-Finnish European, 0.00026%; no homozygotes.

Submissions (2):

Ambry Genetics
Classification: Likely benign for Hereditary cancer-predisposing syndrome. Last evaluated: 2026-08-07. Review status: criteria provided, single submitter. Criteria: Ambry Variant Classification Scheme 2023. Collection method: clinical testing. Allele origin: germline.

Labcorp Genetics (formerly Invitae), Labcorp
Classification: Uncertain significance for Gorlin syndrome. Last evaluated: 2025-11-15. Review status: criteria provided, single submitter. Criteria: Invitae Variant Classification Sherloc (09022015). Collection method: clinical testing. Allele origin: germline.
Comment: This sequence change replaces proline, which is neutral and non-polar, with serine, which is neutral and polar, at codon 27 of the PTCH1 protein (p.Pro27Ser). The frequency data for this variant in the population databases is considered unreliable, as metrics indicate poor data quality at this position in the gnomAD database. This variant has not been reported in the literature in individuals affected with PTCH1-related conditions. ClinVar contains an entry for this variant (Variation ID: 453913). Invitae Evidence Modeling of protein sequence and biophysical properties (such as structural, functional, and spatial information, amino acid conservation, physicochemical variation, residue mobility, and thermodynamic stability) indicates that this missense variant is not expected to disrupt PTCH1 protein function with a negative predictive value of 95%. In summary, the available evidence is currently insufficient to determine the role of this variant in disease. Therefore, it has been classified as a Variant of Uncertain Significance.

NM_000264.5(PTCH1):c.79C>T (p.Pro27Ser)

Genes: PTCH1 (patched 1; minus strand), LOC130002133 (ATAC-STARR-seq lymphoblastoid silent region 20071; plus strand). Cytogenetic location: 9q22.32.
Variant type: single nucleotide variant.
Coding change: c.79C>T on transcript NM_000264.5 (MANE Select); coding-DNA position 79, C replaced by T.
Protein change: p.Pro27Ser; replaces proline 27 with serine.
Molecular consequence: missense variant. On other transcripts: non-coding transcript variant (1), intron variant (3).
Genome position (GRCh38, 1-based): chr9:95,508,283, G>A on the plus strand (C>T on the coding strand, the complement: PTCH1 is on the minus strand). VCF-style: chr9-95508283-G-A. GRCh37 (hg19) VCF-style: chr9-98270565-G-A.
Other names: c.79C>T, p.Pro27Ser (NM_001354918.2); c.199-1684C>T (NM_001083603.3); c.4-1684C>T (NM_001083602.3, NM_001354919.2); short protein forms P27S.
Identifiers: ClinVar variation 453913 (VCV000453913.10), dbSNP rs1245076183, ClinGen allele CA374121464.
Genomic context (GRCh38, chr9:95,508,283, plus strand): 5'-GGTCCGGCGCGGCAGCACGGCGCAGCCCCCCCGTCCGTCTGCGCCTCCCGCCTCCAGCCG[G>A]CCGTCCCGGGGCACCGATACAGCCGCTGCCGCCGCCGCCGCGGTCCTGGGGCTCGGCGGC-3'
Protein context (NP_000255.2, residues 17-37): GSGCIGAPGR[Pro27Ser]AGGGRRRRTG